The following is an entry in ClinVar:

ClinVar aggregate classification (germline): Pathogenic (1 of 4 stars; one submission).

Conditions:
DNA ligase IV deficiency. Identifiers: Orphanet 99812, MedGen C1847827, MONDO:0011686, OMIM 606593.

Allele frequency attached by ClinVar (database versions not stated): gnomAD 0.00001; TOPMed 0.00001.
gnomAD v4.1: 1 of 1,613,758 alleles (0.000062%); highest among the groups gnomAD compares: African/African-American, 0.0013%; no homozygotes.

Submission:

Labcorp Genetics (formerly Invitae), Labcorp
Classification: Pathogenic for DNA ligase IV deficiency. Last evaluated: 2023-01-23. Review status: criteria provided, single submitter. Criteria: Invitae Variant Classification Sherloc (09022015). Collection method: clinical testing. Allele origin: germline.
Comment: This variant disrupts a region of the LIG4 protein in which other variant(s) (p.Arg814*) have been determined to be pathogenic (PMID: 11779494, 15333585, 16088910, 24123394, 24892279, 25239263, 27063650, 27612988). This suggests that this is a clinically significant region of the protein, and that variants that disrupt it are likely to be disease-causing. This variant is not present in population databases (gnomAD no frequency). This variant has not been reported in the literature in individuals affected with LIG4-related conditions. For these reasons, this variant has been classified as Pathogenic. This sequence change creates a premature translational stop signal (p.Gln624*) in the LIG4 gene. While this is not anticipated to result in nonsense mediated decay, it is expected to disrupt the last 288 amino acid(s) of the LIG4 protein.

Literature cited by the submitters: PubMed 11779494; PubMed 15333585; PubMed 16088910; PubMed 24123394; PubMed 24892279; PubMed 25239263; PubMed 27063650; PubMed 27612988.

NM_206937.2(LIG4):c.1870C>T (p.Gln624Ter)

Gene: LIG4 (DNA ligase 4; minus strand). Cytogenetic location: 13q33.3.
Variant type: single nucleotide variant.
Coding change: c.1870C>T on transcript NM_206937.2 (MANE Select); coding-DNA position 1870, C replaced by T.
Protein change: p.Gln624Ter; replaces glutamine 624 with a stop codon.
Molecular consequence: nonsense.
Genome position (GRCh38, 1-based): chr13:108,209,399, G>A on the plus strand (C>T on the coding strand, the complement: LIG4 is on the minus strand). VCF-style: chr13-108209399-G-A. GRCh37 (hg19) VCF-style: chr13-108861747-G-A.
Other names: c.1870C>T, p.Gln624Ter (NM_001098268.2, NM_001352598.2, NM_001352599.2 and 6 more transcripts); c.1669C>T, p.Gln557Ter (NM_001330595.2); c.1906C>T, p.Gln636Ter (NM_001352604.2); short protein forms Q557*, Q624*, Q636*.
Identifiers: ClinVar variation 2735102 (VCV002735102.3), dbSNP rs1878332570, ClinGen allele CA388615620.